The following is an entry in ClinVar:

NM_001365999.1(SZT2):c.7061G>A (p.Arg2354Gln)

Gene: SZT2 (SZT2 subunit of KICSTOR complex; plus strand). Cytogenetic location: 1p34.2.
Variant type: single nucleotide variant.
Coding change: c.7061G>A on transcript NM_001365999.1 (MANE Select); coding-DNA position 7061, G replaced by A.
Protein change: p.Arg2354Gln; replaces arginine 2354 with glutamine.
Molecular consequence: missense variant.
Genome position (GRCh38, 1-based): chr1:43,439,899, G>A. VCF-style: chr1-43439899-G-A. GRCh37 (hg19) VCF-style: chr1-43905570-G-A.
Other names: c.6890G>A, p.Arg2297Gln (NM_015284.4); short protein forms R2297Q, R2354Q.
Identifiers: ClinVar variation 2413454 (VCV002413454.2), dbSNP rs371294068, ClinGen allele CA21645341.

ClinVar aggregate classification (germline): Uncertain significance (1 of 4 stars; one submission).

Allele frequency attached by ClinVar (database versions not stated): gnomAD exomes below 0.00001; TOPMed 0.00002; ESP Exome Variant Server 0.00008.
gnomAD v4.1: 6 of 1,601,204 alleles (0.00037%); highest among the groups gnomAD compares: Middle Eastern, 0.017%; no homozygotes.

Submission:

Labcorp Genetics (formerly Invitae), Labcorp
Classification: Uncertain significance. Last evaluated: 2022-05-25. Review status: criteria provided, single submitter. Criteria: Invitae Variant Classification Sherloc (09022015). Collection method: clinical testing. Allele origin: germline.
Comment: This sequence change replaces arginine, which is basic and polar, with glutamine, which is neutral and polar, at codon 2297 of the SZT2 protein (p.Arg2297Gln). This variant is not present in population databases (gnomAD no frequency). This variant has not been reported in the literature in individuals affected with SZT2-related conditions. Algorithms developed to predict the effect of missense changes on protein structure and function output the following: SIFT: "Tolerated"; PolyPhen-2: "Benign"; Align-GVGD: "Class C0". The glutamine amino acid residue is found in multiple mammalian species, which suggests that this missense change does not adversely affect protein function. Algorithms developed to predict the effect of sequence changes on RNA splicing suggest that this variant may create or strengthen a splice site. In summary, the available evidence is currently insufficient to determine the role of this variant in disease. Therefore, it has been classified as a Variant of Uncertain Significance.